The following is an entry in ClinVar:

ClinVar aggregate classification (germline): Uncertain significance. Review status: criteria provided, multiple submitters, no conflicts (2 of 4 stars). 2 submissions from 2 submitters: Uncertain significance (2). Last evaluated 2025-03-18.

Conditions:
Hereditary cancer-predisposing syndrome. Also called: Tumor predisposition; Hereditary neoplastic syndrome; Neoplastic Syndromes, Hereditary; Hereditary Cancer Syndrome. Identifiers: Orphanet 140162, MedGen C0027672, MeSH D009386, MONDO:0015356.

Submissions (2):

Ambry Genetics
Classification: Uncertain significance for Hereditary cancer-predisposing syndrome. Last evaluated: 2025-03-18. Review status: criteria provided, single submitter. Criteria: Ambry Variant Classification Scheme 2023. Collection method: clinical testing. Allele origin: germline.
Comment: The p.L965M variant (also known as c.2893C>A), located in coding exon 25 of the POLE gene, results from a C to A substitution at nucleotide position 2893. The leucine at codon 965 is replaced by methionine, an amino acid with highly similar properties. This amino acid position is highly conserved in available vertebrate species. In addition, this alteration is predicted to be tolerated by in silico analysis. Based on the available evidence, the clinical significance of this variant remains unclear.

Labcorp Genetics (formerly Invitae), Labcorp
Classification: Uncertain significance. Last evaluated: 2020-04-16. Review status: criteria provided, single submitter. Criteria: Invitae Variant Classification Sherloc (09022015). Collection method: clinical testing. Allele origin: germline.
Comment: This variant is not present in population databases (ExAC no frequency). In summary, the available evidence is currently insufficient to determine the role of this variant in disease. Therefore, it has been classified as a Variant of Uncertain Significance. Algorithms developed to predict the effect of missense changes on protein structure and function are either unavailable or do not agree on the potential impact of this missense change (SIFT: "Deleterious"; PolyPhen-2: "Probably Damaging"; Align-GVGD: "Class C0"). This variant has not been reported in the literature in individuals with POLE-related conditions. This sequence change replaces leucine with methionine at codon 965 of the POLE protein (p.Leu965Met). The leucine residue is highly conserved and there is a small physicochemical difference between leucine and methionine.

NM_006231.4(POLE):c.2893C>A (p.Leu965Met)

Gene: POLE (DNA polymerase epsilon, catalytic subunit; minus strand). Cytogenetic location: 12q24.33.
Variant type: single nucleotide variant.
Coding change: c.2893C>A on transcript NM_006231.4 (MANE Select); coding-DNA position 2893, C replaced by A.
Protein change: p.Leu965Met; replaces leucine 965 with methionine.
Molecular consequence: missense variant.
Genome position (GRCh38, 1-based): chr12:132,661,136, G>T on the plus strand (C>A on the coding strand, the complement: POLE is on the minus strand). VCF-style: chr12-132661136-G-T. GRCh37 (hg19) VCF-style: chr12-133237722-G-T.
Other names: c.2893C>A (NM_006231.2); short protein forms L965M.
Identifiers: ClinVar variation 846054 (VCV000846054.10), dbSNP rs2042671145, ClinGen allele CA387392826.